The following is an entry in ClinVar:

NM_020821.3(VPS13C):c.11065A>G (p.Ile3689Val)

Gene: VPS13C (vacuolar protein sorting 13 homolog C; minus strand). Cytogenetic location: 15q22.2.
Variant type: single nucleotide variant.
Coding change: c.11065A>G on transcript NM_020821.3 (MANE Select); coding-DNA position 11065, A replaced by G.
Protein change: p.Ile3689Val; replaces isoleucine 3689 with valine.
Molecular consequence: missense variant.
Genome position (GRCh38, 1-based): chr15:61,856,297, T>C on the plus strand (A>G on the coding strand, the complement: VPS13C is on the minus strand). VCF-style: chr15-61856297-T-C. GRCh37 (hg19) VCF-style: chr15-62148496-T-C.
Other names: c.10936A>G, p.Ile3646Val (NM_017684.5); short protein forms I3646V, I3689V.
Identifiers: ClinVar variation 1372846 (VCV001372846.6), dbSNP rs2140832169, ClinGen allele CA392666412.
Genomic context (GRCh38, chr15:61,856,297, plus strand): 5'-TCTAAAAGCAATGAACTCTTAGCTCTAAAGGTGTGACATGTTTTCTTACCTTAACTGAAA[T>C]TTTTAGCACATTTTCACTGACACTAGGAGGAAATACAAAATCTTCAAATGGACATTGCCA-3'
Protein context (NP_065872.1, residues 3679-3699): PPSVSENVLK[Ile3689Val]SVKEQGLFHK

ClinVar aggregate classification (germline): Uncertain significance (1 of 4 stars; one submission).

Allele frequency attached by ClinVar (database versions not stated): gnomAD exomes below 0.00001.
gnomAD v4.1: 1 of 1,613,118 alleles (0.000062%); highest among the groups gnomAD compares: Non-Finnish European, 0.000085%; no homozygotes.

Submission:

Labcorp Genetics (formerly Invitae), Labcorp
Classification: Uncertain significance. Last evaluated: 2021-08-05. Review status: criteria provided, single submitter. Criteria: Invitae Variant Classification Sherloc (09022015). Collection method: clinical testing. Allele origin: germline.
Comment: This sequence change replaces isoleucine with valine at codon 3689 of the VPS13C protein (p.Ile3689Val). The isoleucine residue is moderately conserved and there is a small physicochemical difference between isoleucine and valine. This variant is not present in population databases (ExAC no frequency). This variant has not been reported in the literature in individuals affected with VPS13C-related conditions. Algorithms developed to predict the effect of missense changes on protein structure and function (SIFT, PolyPhen-2, Align-GVGD) all suggest that this variant is likely to be tolerated. In summary, the available evidence is currently insufficient to determine the role of this variant in disease. Therefore, it has been classified as a Variant of Uncertain Significance.